The following is an entry in ClinVar:

ClinVar aggregate classification (germline): Uncertain significance. Review status: criteria provided, multiple submitters, no conflicts (2 of 4 stars). 2 submissions from 2 submitters: Uncertain significance (2). Last evaluated 2022-03-19.

Conditions:
Charcot-Marie-Tooth disease type 4. Also called: Charcot-Marie-Tooth, Type 4; Charcot-Marie-Tooth disease, type IV. Identifiers: Orphanet 64749, MedGen C4082197, MONDO:0018995.

Allele frequency attached by ClinVar (database versions not stated): ExAC 0.00001; gnomAD exomes 0.00001 and 0.00006; TOPMed 0.00002.
gnomAD v4.1: 88 of 1,613,818 alleles (0.0055%); highest among the groups gnomAD compares: Non-Finnish European, 0.0073%; no homozygotes.

Submissions (2):

Labcorp Genetics (formerly Invitae), Labcorp
Classification: Uncertain significance for Charcot-Marie-Tooth disease type 4. Last evaluated: 2022-03-19. Review status: criteria provided, single submitter. Criteria: Invitae Variant Classification Sherloc (09022015). Collection method: clinical testing. Allele origin: germline.
Comment: In summary, the available evidence is currently insufficient to determine the role of this variant in disease. Therefore, it has been classified as a Variant of Uncertain Significance. This sequence change replaces glycine, which is neutral and non-polar, with glutamic acid, which is acidic and polar, at codon 831 of the SBF2 protein (p.Gly831Glu). This variant is present in population databases (rs770201190, gnomAD 0.008%). This variant has not been reported in the literature in individuals affected with SBF2-related conditions. ClinVar contains an entry for this variant (Variation ID: 448236). Algorithms developed to predict the effect of missense changes on protein structure and function are either unavailable or do not agree on the potential impact of this missense change (SIFT: "Deleterious"; PolyPhen-2: "Possibly Damaging"; Align-GVGD: "Class C0").

Athena Diagnostics
Classification: Uncertain significance. Last evaluated: 2017-06-07. Review status: criteria provided, single submitter. Criteria: Athena Diagnostics Criteria. Collection method: clinical testing. Allele origin: germline.

NM_030962.4(SBF2):c.2492G>A (p.Gly831Glu)

Genes: SBF2 (SET binding factor 2; minus strand), LOC101928008 (uncharacterized LOC101928008; plus strand). Cytogenetic location: 11p15.4.
Variant type: single nucleotide variant.
Coding change: c.2492G>A on transcript NM_030962.4 (MANE Select); coding-DNA position 2492, G replaced by A.
Protein change: p.Gly831Glu; replaces glycine 831 with glutamic acid.
Molecular consequence: missense variant.
Genome position (GRCh38, 1-based): chr11:9,853,584, C>T on the plus strand (G>A on the coding strand, the complement: SBF2 is on the minus strand). VCF-style: chr11-9853584-C-T. GRCh37 (hg19) VCF-style: chr11-9875131-C-T.
Other names: c.2492G>A, p.Gly831Glu (NM_001386339.1); c.2363G>A, p.Gly788Glu (NM_001386342.1); short protein forms G831E, G788E.
Identifiers: ClinVar variation 448236 (VCV000448236.11), dbSNP rs770201190, ClinGen allele CA5881551.